The following is an entry in ClinVar:

NM_001024845.3(SLC6A9):c.1682G>A (p.Arg561His)

Gene: SLC6A9 (solute carrier family 6 member 9; minus strand). Cytogenetic location: 1p34.1.
Variant type: single nucleotide variant.
Coding change: c.1682G>A on transcript NM_001024845.3 (MANE Select); coding-DNA position 1682, G replaced by A.
Protein change: p.Arg561His; replaces arginine 561 with histidine.
Molecular consequence: missense variant. On other transcripts: non-coding transcript variant (1), intron variant (1).
Genome position (GRCh38, 1-based): chr1:43,997,880, C>T on the plus strand (G>A on the coding strand, the complement: SLC6A9 is on the minus strand). VCF-style: chr1-43997880-C-T. GRCh37 (hg19) VCF-style: chr1-44463552-C-T.
Other names: c.1694G>A, p.Arg565His (NM_001261380.2); c.1349G>A, p.Arg450His (NM_001328626.2); c.1619G>A, p.Arg540His (NM_001328627.1); c.1487G>A, p.Arg496His (NM_001328628.1); c.1682G>A, p.Arg561His (NM_001328629.1); c.1739G>A, p.Arg580His (NM_006934.4); c.1901G>A, p.Arg634His (NM_201649.4); c.1204-141G>A (NM_001328630.2); short protein forms R561H, R565H, R580H, R634H, R540H, R496H, R450H.
Identifiers: ClinVar variation 1983883 (VCV001983883.3), dbSNP rs780357551, ClinGen allele CA817386.
Genomic context (GRCh38, chr1:43,997,880, plus strand): 5'-TTTTGCCTGGCTACCCAGCCTGTCCCTGCCCTCACCTGGAGGAGGGTGTCCCCGTCTGTG[C>T]GGCAGAGCCGGAACATGGCGTAGAGGGGGATGCAGAGGACGGAGGACAGAGCCATGAGGA-3'
Protein context (NP_001020016.1, residues 551-571): IPLYAMFRLC[Arg561His]TDGDTLLQRL

ClinVar aggregate classification (germline): Uncertain significance (1 of 4 stars; one submission).

Conditions:
Atypical glycine encephalopathy. Also called: Glycine encephalopathy with normal serum glycine. Identifiers: Orphanet 289863, MedGen C4310943, MONDO:0015010, OMIM 617301.

Allele frequency attached by ClinVar (database versions not stated): ExAC 0.00001; gnomAD exomes 0.00001; gnomAD 0.00002; TOPMed 0.00002.
gnomAD v4.1: 12 of 1,612,536 alleles (0.00074%); highest among the groups gnomAD compares: East Asian, 0.0045%; no homozygotes.

Submission:

Labcorp Genetics (formerly Invitae), Labcorp
Classification: Uncertain significance for Atypical glycine encephalopathy. Last evaluated: 2025-02-17. Review status: criteria provided, single submitter. Criteria: Invitae Variant Classification Sherloc (09022015). Collection method: clinical testing. Allele origin: germline.
Comment: This sequence change replaces arginine, which is basic and polar, with histidine, which is basic and polar, at codon 634 of the SLC6A9 protein (p.Arg634His). This variant is present in population databases (rs780357551, gnomAD 0.006%). This variant has not been reported in the literature in individuals affected with SLC6A9-related conditions. ClinVar contains an entry for this variant (Variation ID: 1983883). An algorithm developed to predict the effect of missense changes on protein structure and function (PolyPhen-2) suggests that this variant is likely to be tolerated. In summary, the available evidence is currently insufficient to determine the role of this variant in disease. Therefore, it has been classified as a Variant of Uncertain Significance.